The following is an entry in ClinVar:

ClinVar aggregate classification (germline): Uncertain significance (1 of 4 stars; one submission).

Allele frequency attached by ClinVar (database versions not stated): gnomAD exomes below 0.00001; TOPMed below 0.00001; gnomAD 0.00001.
gnomAD v4.1: 4 of 1,614,066 alleles (0.00025%); highest among the groups gnomAD compares: Non-Finnish European, 0.00034%; no homozygotes.

Submission:

Ambry Genetics
Classification: Uncertain significance. Last evaluated: 2024-01-31. Review status: criteria provided, single submitter. Criteria: Ambry Variant Classification Scheme 2023. Collection method: clinical testing. Allele origin: germline.
Comment: The p.S1291T variant (also known as c.3871T>A), located in coding exon 4 of the ALPK2 gene, results from a T to A substitution at nucleotide position 3871. The serine at codon 1291 is replaced by threonine, an amino acid with similar properties. This amino acid position is conserved. In addition, this alteration is predicted to be tolerated by in silico analysis. Since supporting evidence is limited at this time, the clinical significance of this alteration remains unclear.

NM_052947.4(ALPK2):c.3871T>A (p.Ser1291Thr)

Genes: ALPK2 (alpha kinase 2; minus strand), LOC126862764 (BRD4-independent group 4 enhancer GRCh37_chr18:56202574-56203773; plus strand). Cytogenetic location: 18q21.31.
Variant type: single nucleotide variant.
Coding change: c.3871T>A on transcript NM_052947.4 (MANE Select); coding-DNA position 3871, T replaced by A.
Protein change: p.Ser1291Thr; replaces serine 1291 with threonine.
Molecular consequence: missense variant.
Genome position (GRCh38, 1-based): chr18:58,536,316, A>T on the plus strand (T>A on the coding strand, the complement: ALPK2 is on the minus strand). VCF-style: chr18-58536316-A-T. GRCh37 (hg19) VCF-style: chr18-56203548-A-T.
Other names: short protein forms S1291T.
Identifiers: ClinVar variation 1735719 (VCV001735719.2), dbSNP rs1450722649, ClinGen allele CA402565327.